The following is an entry in ClinVar:

ClinVar aggregate classification (germline): Pathogenic (1 of 4 stars; one submission).

Conditions:
Familial adenomatous polyposis 1 (FAP1). Also called: FAMILIAL ADENOMATOUS POLYPOSIS 1, ATTENUATED; POLYPOSIS, ADENOMATOUS INTESTINAL. Identifiers: MedGen C2713442, MONDO:0021056, OMIM 175100. Disease mechanism: loss of function.

Submission:

Myriad Genetics, Inc.
Classification: Pathogenic for Familial adenomatous polyposis 1. Last evaluated: 2023-05-16. Review status: criteria provided, single submitter. Criteria: Myriad Autosomal Dominant, Autosomal Recessive and X-Linked Classification Criteria (2023). Collection method: clinical testing. Allele origin: unknown.
Comment: This variant is considered pathogenic. This variant creates a termination codon and is predicted to result in premature protein truncation.

NM_000038.6(APC):c.6620C>A (p.Ser2207Ter)

Gene: APC (APC regulator of Wnt signaling pathway; plus strand). Cytogenetic location: 5q22.2.
Variant type: single nucleotide variant.
Coding change: c.6620C>A on transcript NM_000038.6 (MANE Select); coding-DNA position 6620, C replaced by A.
Protein change: p.Ser2207Ter; replaces serine 2207 with a stop codon.
Molecular consequence: nonsense. On other transcripts: non-coding transcript variant (2).
Genome position (GRCh38, 1-based): chr5:112,842,214, C>A. VCF-style: chr5-112842214-C-A. GRCh37 (hg19) VCF-style: chr5-112177911-C-A.
Other names: c.6620C>A, p.Ser2207Ter (NM_001127510.3, NM_001354895.2, NM_001407450.1); c.6566C>A, p.Ser2189Ter (NM_001127511.3); c.6674C>A, p.Ser2225Ter (NM_001354896.2, NM_001407447.1, NM_001407448.1 and 1 more transcripts); c.6650C>A, p.Ser2217Ter (NM_001354897.2); c.6545C>A, p.Ser2182Ter (NM_001354898.2); c.6536C>A, p.Ser2179Ter (NM_001354899.2); c.6497C>A, p.Ser2166Ter (NM_001354900.2); c.6443C>A, p.Ser2148Ter (NM_001354901.2, NM_001407453.1); and 11 more; short protein forms S1823*, S1924*, S2047*, S2078*, S2081*, S2106*, S2116*, S2124*.
Identifiers: ClinVar variation 2584143 (VCV002584143.1), dbSNP rs758337476, ClinGen allele CA16035812.